The following is an entry in ClinVar:

ClinVar aggregate classification (germline): Likely benign (1 of 4 stars; one submission).

Conditions:
Familial cancer of breast. Also called: hereditary breast carcinoma; BREAST CANCER, FAMILIAL; Hereditary breast cancer. Identifiers: Orphanet 227535, MedGen C0346153, MONDO:0016419, OMIM 114480. Disease mechanism: loss of function.

Submission:

Myriad Genetics, Inc.
Classification: Likely benign for Familial cancer of breast. Last evaluated: 2024-06-18. Review status: criteria provided, single submitter. Criteria: Myriad Autosomal Dominant, Autosomal Recessive and X-Linked Classification Criteria (2023). Collection method: clinical testing. Allele origin: unknown.
Comment: This variant is considered likely benign. This variant is intronic and is not expected to impact mRNA splicing.

NM_000051.4(ATM):c.8152-9A>C

Genes: ATM (ATM serine/threonine kinase; plus strand), C11orf65 (chromosome 11 open reading frame 65; minus strand). Cytogenetic location: 11q22.3.
Variant type: single nucleotide variant.
Coding change: c.8152-9A>C on transcript NM_000051.4 (MANE Select); 9 bases into the intron before coding-DNA position 8152, A replaced by C.
Molecular consequence: intron variant.
Genome position (GRCh38, 1-based): chr11:108,335,836, A>C. VCF-style: chr11-108335836-A-C. GRCh37 (hg19) VCF-style: chr11-108206563-A-C.
Other names: c.8152-9A>C (NM_001351834.2); c.641-26765T>G (NM_001330368.2); c.695-544T>G (NM_001351110.2).
Identifiers: ClinVar variation 3254002 (VCV003254002.1), dbSNP rs1555128181.
Genomic context (GRCh38, chr11:108,335,836, plus strand): 5'-CTCAGATGACTCTGTGTTTTTATAATAAAATAAACTGTACTTGTTTATTCATGCTTAATT[A>C]TTCTGAAGGGCCGTGATGACCTGAGACAAGATGCTGTCATGCAACAGGTCTTCCAGATGT-3'